The following is an entry in ClinVar:

NM_152743.4(BRAT1):c.1196G>A (p.Arg399Gln)

Gene: BRAT1 (BRCA1 associated ATM activator 1; minus strand). Cytogenetic location: 7p22.3.
Variant type: single nucleotide variant.
Coding change: c.1196G>A on transcript NM_152743.4 (MANE Select); coding-DNA position 1196, G replaced by A.
Protein change: p.Arg399Gln; replaces arginine 399 with glutamine.
Molecular consequence: missense variant. On other transcripts: non-coding transcript variant (1).
Genome position (GRCh38, 1-based): chr7:2,541,423, C>T on the plus strand (G>A on the coding strand, the complement: BRAT1 is on the minus strand). VCF-style: chr7-2541423-C-T. GRCh37 (hg19) VCF-style: chr7-2581057-C-T.
Other names: c.1196G>A, p.Arg399Gln (NM_001350626.2); c.671G>A, p.Arg224Gln (NM_001350627.2); short protein forms R399Q, R224Q.
Identifiers: ClinVar variation 540162 (VCV000540162.15), dbSNP rs371360176, ClinGen allele CA4127887.

ClinVar aggregate classification (germline): Conflicting classifications of pathogenicity. Review status: criteria provided, conflicting classifications (1 of 4 stars). 3 submissions from 3 submitters: Uncertain significance (1); Benign (1); Likely benign (1). Last evaluated 2026-01-19.

Conditions:
Inborn genetic diseases. Identifiers: MedGen C0950123, MeSH D030342.
Neonatal-onset encephalopathy with rigidity and seizures. Also called: Lethal neonatal spasticity-epileptic encephalopathy syndrome. Identifiers: Orphanet 435845, MedGen C3281029, MONDO:0013784, OMIM 614498.

Allele frequency attached by ClinVar (database versions not stated): gnomAD 0.00007 and 0.00008; gnomAD exomes 0.00009; TOPMed 0.00011; ESP Exome Variant Server 0.00016; ExAC 0.00022.
gnomAD v4.1: 115 of 1,589,128 alleles (0.0072%); highest among the groups gnomAD compares: Admixed American, 0.027%; no homozygotes.

Submissions (3):

Labcorp Genetics (formerly Invitae), Labcorp
Classification: Benign for Neonatal-onset encephalopathy with rigidity and seizures. Last evaluated: 2026-01-19. Review status: criteria provided, single submitter. Criteria: Invitae Variant Classification Sherloc (09022015). Collection method: clinical testing. Allele origin: germline.

Ambry Genetics
Classification: Likely benign for Inborn genetic diseases. Last evaluated: 2023-04-11. Review status: criteria provided, single submitter. Criteria: Ambry Variant Classification Scheme 2023. Collection method: clinical testing. Allele origin: germline.

Baylor Genetics
Classification: Uncertain significance for Neonatal-onset encephalopathy with rigidity and seizures. Last evaluated: 2020-10-21. Review status: criteria provided, single submitter. Criteria: ACMG Guidelines, 2015. Collection method: clinical testing. Allele origin: unknown. Affected: yes.
Comment: This variant was determined to be of uncertain significance according to ACMG Guidelines, 2015 [PMID:25741868].